The following is an entry in ClinVar:

ClinVar aggregate classification (germline): Likely benign (1 of 4 stars; one submission).

Submission:

Mayo Clinic Laboratories, Mayo Clinic
Classification: Likely benign. Last evaluated: 2025-07-23. Review status: criteria provided, single submitter. Criteria: ACMG Guidelines, 2015. Collection method: clinical testing. Allele origin: germline. Observed: 1 variant allele.
Comment: BP4, BP7, PM2_supporting

NM_005560.6(LAMA5):c.1212C>T (p.Asn404=)

Gene: LAMA5 (laminin subunit alpha 5; minus strand). Cytogenetic location: 20q13.33.
Variant type: single nucleotide variant.
Coding change: c.1212C>T on transcript NM_005560.6 (MANE Select); coding-DNA position 1212, C replaced by T.
Protein change: p.Asn404=; no amino-acid change (asparagine 404 retained).
Molecular consequence: synonymous variant.
Genome position (GRCh38, 1-based): chr20:62,346,576, G>A on the plus strand (C>T on the coding strand, the complement: LAMA5 is on the minus strand). VCF-style: chr20-62346576-G-A. GRCh37 (hg19) VCF-style: chr20-60921632-G-A.
Other names: p.Asn404=.
Identifiers: ClinVar variation 4684428 (VCV004684428.1).
Genomic context (GRCh38, chr20:62,346,576, plus strand): 5'-GTGGGGCGAGTCGAGAGGGTGGTTGGGAGAGCGGTAGAAGCCGGGCAGGCAGCGCTCACA[G>A]TTGACGCCGGTGGTGTGGTGCTGGGAGTGCAATGGCCGTTGAGTCTGGGGAGGTCCCTGC-3'
Protein context (NP_005551.3, residues 394-414): IDCQHHTTGV[Asn404=]CERCLPGFYR